The following is an entry in ClinVar:

ClinVar aggregate classification (germline): Pathogenic/Likely pathogenic. Review status: criteria provided, multiple submitters, no conflicts (2 of 4 stars). 3 submissions from 3 submitters: Pathogenic (1); Likely pathogenic (2). Last evaluated 2023-03-26.

Conditions:
Congenital heart defects and skeletal malformations syndrome. Identifiers: Orphanet 643503, MedGen C4539857, MONDO:0060532, OMIM 617602.

Submissions (3):

Labcorp Genetics (formerly Invitae), Labcorp
Classification: Likely pathogenic. Last evaluated: 2023-03-26. Review status: criteria provided, single submitter. Criteria: Invitae Variant Classification Sherloc (09022015). Collection method: clinical testing. Allele origin: germline.
Comment: Experimental studies have shown that this missense change affects ABL1 function (PMID: 33223528). Advanced modeling of protein sequence and biophysical properties (such as structural, functional, and spatial information, amino acid conservation, physicochemical variation, residue mobility, and thermodynamic stability) performed at Invitae indicates that this missense variant is not expected to disrupt ABL1 protein function. ClinVar contains an entry for this variant (Variation ID: 983213). This missense change has been observed in individual(s) with clinical features of congenital heart defects and skeletal malformations syndrome (PMID: 33223528). In at least one individual the variant was observed to be de novo. This variant is not present in population databases (gnomAD no frequency). This sequence change replaces glutamic acid, which is acidic and polar, with lysine, which is basic and polar, at codon 528 of the ABL1 protein (p.Glu528Lys). In summary, the currently available evidence indicates that the variant is pathogenic, but additional data are needed to prove that conclusively. Therefore, this variant has been classified as Likely Pathogenic.

GeneDx
Classification: Pathogenic. Last evaluated: 2021-09-20. Review status: criteria provided, single submitter. Criteria: GeneDx Variant Classification Process June 2021. Collection method: clinical testing. Allele origin: germline. Affected: yes.
Comment: Published functional studies demonstrate a damaging effect with a gain-of-function due to loss of auto-inhibition (Blakes et al, 2021); Not observed at significant frequency in large population cohorts (gnomAD); In silico analysis supports that this missense variant does not alter protein structure/function; This variant is associated with the following publications: (PMID: 33223528)

Human Development and Health, University of Southampton
Classification: Likely pathogenic for Congenital heart defects and skeletal malformations syndrome. Last evaluated: 2020-01-01. Review status: criteria provided, single submitter. Criteria: ACMG Guidelines, 2015. Collection method: clinical testing, in vitro. Allele origin: de novo, not applicable. Affected: yes. Observed: 1 heterozygote.
Comment: Highly conserved nucleotide (phyloP 6.049) with amino acid conserved to D. rerio, variant absent from ExAC, SIFT predicted damaging (0.048), Mutation Taster predicted Disease causing (P:0.999), CADD score 33, de novo, phenotype fits with ABL1-related malformation syndrome. DECIPHER 304918. Part of a cohort submitted for publication.

Literature cited by the submitters: PubMed 33223528 (cited by Labcorp Genetics (formerly Invitae), Labcorp).

NM_005157.6(ABL1):c.1525G>A (p.Glu509Lys)

Gene: ABL1 (ABL proto-oncogene 1, non-receptor tyrosine kinase; plus strand). Cytogenetic location: 9q34.12.
Variant type: single nucleotide variant.
Coding change: c.1525G>A on transcript NM_005157.6 (MANE Select); coding-DNA position 1525, G replaced by A.
Protein change: p.Glu509Lys; replaces glutamic acid 509 with lysine.
Molecular consequence: missense variant.
Genome position (GRCh38, 1-based): chr9:130,880,511, G>A. VCF-style: chr9-130880511-G-A. GRCh37 (hg19) VCF-style: chr9-133755898-G-A.
Other names: c.1582G>A, p.Glu528Lys (NM_007313.3); short protein forms E509K, E528K.
Identifiers: ClinVar variation 983213 (VCV000983213.6), dbSNP rs1831433011, ClinGen allele CA375251776.